The following is an entry in ClinVar:

NM_152783.5(D2HGDH):c.1114A>G (p.Met372Val)

Gene: D2HGDH (D-2-hydroxyglutarate dehydrogenase; plus strand). Cytogenetic location: 2q37.3.
Variant type: single nucleotide variant.
Coding change: c.1114A>G on transcript NM_152783.5 (MANE Select); coding-DNA position 1114, A replaced by G.
Protein change: p.Met372Val; replaces methionine 372 with valine.
Molecular consequence: missense variant.
Genome position (GRCh38, 1-based): chr2:241,751,362, A>G. VCF-style: chr2-241751362-A-G. GRCh37 (hg19) VCF-style: chr2-242690777-A-G.
Other names: c.712A>G, p.Met238Val (NM_001287249.2); c.553A>G, p.Met185Val (NM_001352824.2); short protein forms M238V, M372V, M185V.
Identifiers: ClinVar variation 2151966 (VCV002151966.4), dbSNP rs778078622, ClinGen allele CA2221919.

ClinVar aggregate classification (germline): Uncertain significance (1 of 4 stars; one submission).

Conditions:
D-2-hydroxyglutaric aciduria 1 (D2HGA1). Identifiers: Orphanet 79315, MedGen C3152055, MONDO:0024554, OMIM 600721.

Allele frequency attached by ClinVar (database versions not stated): ExAC 0.00001.
gnomAD v4.1: 2 of 1,613,592 alleles (0.00012%); highest among the groups gnomAD compares: East Asian, 0.0022%; no homozygotes.

Submission:

Labcorp Genetics (formerly Invitae), Labcorp
Classification: Uncertain significance for D-2-hydroxyglutaric aciduria 1. Last evaluated: 2022-03-19. Review status: criteria provided, single submitter. Criteria: Invitae Variant Classification Sherloc (09022015). Collection method: clinical testing. Allele origin: germline.
Comment: This sequence change replaces methionine, which is neutral and non-polar, with valine, which is neutral and non-polar, at codon 372 of the D2HGDH protein (p.Met372Val). This variant is present in population databases (rs778078622, gnomAD 0.0009%). In summary, the available evidence is currently insufficient to determine the role of this variant in disease. Therefore, it has been classified as a Variant of Uncertain Significance. Algorithms developed to predict the effect of missense changes on protein structure and function output the following: SIFT: "Tolerated"; PolyPhen-2: "Benign"; Align-GVGD: "Class C0". The valine amino acid residue is found in multiple mammalian species, which suggests that this missense change does not adversely affect protein function. This missense change has been observed in individual(s) with developmental disorder (PMID: 28135719).

Literature cited by the submitters: PubMed 28135719.